The following is an entry in ClinVar:

ClinVar aggregate classification (germline): Conflicting classifications of pathogenicity. Review status: criteria provided, conflicting classifications (1 of 4 stars). 9 submissions from 8 submitters: Uncertain significance (4); Likely benign (5). Last evaluated 2025-11-24.

Conditions:
TSC1-related disorder. Also called: TSC1-related condition.
Hereditary cancer-predisposing syndrome. Also called: Neoplastic Syndromes, Hereditary; Tumor predisposition; Hereditary Cancer Syndrome; Hereditary neoplastic syndrome. Identifiers: Orphanet 140162, MedGen C0027672, MeSH D009386, MONDO:0015356.
Isolated focal cortical dysplasia type II (FCORD2). Also called: Focal cortical dysplasia type II; CORTICAL DYSPLASIA OF TAYLOR. Identifiers: Orphanet 268994, MedGen C1846385, MONDO:0011818, OMIM 607341, HP:0032051.
Tuberous sclerosis syndrome (TSC). Also called: Tuberous Sclerosis Complex; Tuberous sclerosis. Identifiers: Orphanet 805, MedGen C0041341, MONDO:0001734.
Tuberous sclerosis 1 (TSC1). Identifiers: Orphanet 805, MedGen C1854465, MONDO:0008612, OMIM 191100.

Allele frequency attached by ClinVar (database versions not stated): gnomAD exomes below 0.00001; gnomAD 0.00002; TOPMed 0.00002.
gnomAD v4.1: 5 of 1,614,088 alleles (0.00031%); highest among the groups gnomAD compares: African/African-American, 0.0027%; no homozygotes.

Submissions (9):

Labcorp Genetics (formerly Invitae), Labcorp
Classification: Likely benign for Tuberous sclerosis 1. Last evaluated: 2025-11-24. Review status: criteria provided, single submitter. Criteria: Invitae Variant Classification Sherloc (09022015). Collection method: clinical testing. Allele origin: germline.

PreventionGenetics, part of Exact Sciences
Classification: Likely benign for TSC1-related condition. Last evaluated: 2025-04-26. Review status: criteria provided, single submitter. Criteria: ACMG Guidelines, 2015. Collection method: clinical testing. Allele origin: germline.
Comment: This variant is classified as likely benign based on ACMG/AMP sequence variant interpretation guidelines (Richards et al. 2015 PMID: 25741868, with internal and published modifications).

Color Diagnostics, LLC DBA Color Health
Classification: Uncertain significance for Tuberous sclerosis syndrome. Last evaluated: 2024-03-06. Review status: criteria provided, single submitter. Criteria: ACMG Guidelines, 2015. Collection method: clinical testing. Allele origin: germline.
Comment: This missense variant replaces leucine with phenylalanine at codon 775 of the TSC1 protein. Computational prediction is inconclusive regarding the impact of this variant on protein structure and function. To our knowledge, functional studies have not been reported for this variant. This variant has not been reported in individuals affected with TSC1-related disorders in the literature. This variant has been identified in 2/282856 chromosomes in the general population by the Genome Aggregation Database (gnomAD). The available evidence is insufficient to determine the role of this variant in disease conclusively. Therefore, this variant is classified as a Variant of Uncertain Significance.

All of Us Research Program, National Institutes of Health
Classification: Uncertain significance for Tuberous sclerosis syndrome. Last evaluated: 2024-01-11. Review status: criteria provided, single submitter. Criteria: ACMG Guidelines, 2015. Collection method: clinical testing. Allele origin: germline. Inheritance: Autosomal dominant inheritance. Observed: 6 variant alleles, 6 heterozygotes.
Comment: This missense variant replaces leucine with phenylalanine at codon 775 of the TSC1 protein. Computational prediction is inconclusive regarding the impact of this variant on protein structure and function (internally defined REVEL score threshold 0.5 < inconclusive < 0.7, PMID: 27666373). To our knowledge, functional studies have not been reported for this variant. This variant has not been reported in individuals affected with TSC1-related disorders in the literature. This variant has been identified in 2/282856 chromosomes in the general population by the Genome Aggregation Database (gnomAD). The available evidence is insufficient to determine the role of this variant in disease conclusively. Therefore, this variant is classified as a Variant of Uncertain Significance.

This study involves interpretation of variants in research participants for the purpose of population health screening. Participant phenotype was not available at the time of variant classification. Additional details can be found in publication PMID: 35346344, PMCID: PMC8962531

Ambry Genetics
Classification: Likely benign for Hereditary cancer-predisposing syndrome. Last evaluated: 2022-11-29. Review status: criteria provided, single submitter. Criteria: Ambry Variant Classification Scheme 2023. Collection method: clinical testing. Allele origin: germline.

Genome-Nilou Lab
Classification: Likely benign for Tuberous sclerosis 1. Last evaluated: 2021-11-07. Review status: criteria provided, single submitter. Criteria: ACMG Guidelines, 2015. Collection method: clinical testing. Allele origin: germline. Affected: no.

GeneDx
Classification: Likely benign. Last evaluated: 2018-07-19. Review status: criteria provided, single submitter. Criteria: GeneDx Variant Classification Process June 2021. Collection method: clinical testing. Allele origin: germline. Affected: yes.

Illumina Laboratory Services, Illumina
Classification: Uncertain significance for Isolated focal cortical dysplasia type II. Last evaluated: 2018-01-12. Review status: criteria provided, single submitter. Criteria: ICSL Variant Classification Criteria 13 December 2019. Collection method: clinical testing. Allele origin: germline.

Illumina Laboratory Services, Illumina
Classification: Uncertain significance for Tuberous sclerosis 1. Last evaluated: 2018-01-12. Review status: criteria provided, single submitter. Criteria: ICSL Variant Classification Criteria 13 December 2019. Collection method: clinical testing. Allele origin: germline.

NM_000368.5(TSC1):c.2323C>T (p.Leu775Phe)

Gene: TSC1 (TSC complex subunit 1; minus strand). Cytogenetic location: 9q34.13.
Variant type: single nucleotide variant.
Coding change: c.2323C>T on transcript NM_000368.5 (MANE Select); coding-DNA position 2323, C replaced by T.
Protein change: p.Leu775Phe; replaces leucine 775 with phenylalanine.
Molecular consequence: missense variant.
Genome position (GRCh38, 1-based): chr9:132,902,673, G>A on the plus strand (C>T on the coding strand, the complement: TSC1 is on the minus strand). VCF-style: chr9-132902673-G-A. GRCh37 (hg19) VCF-style: chr9-135778060-G-A.
Other names: c.2320C>T, p.Leu774Phe (NM_001162426.2); c.2170C>T, p.Leu724Phe (NM_001162427.2); c.1960C>T, p.Leu654Phe (NM_001362177.2); short protein forms L775F, L654F, L774F, L724F.
Identifiers: ClinVar variation 411208 (VCV000411208.28), dbSNP rs868755168, ClinGen allele CA16612447.